The following is an entry in ClinVar:

ClinVar aggregate classification (germline): Uncertain significance (1 of 4 stars; one submission).

Submission:

Ambry Genetics
Classification: Uncertain significance. Last evaluated: 2024-05-23. Review status: criteria provided, single submitter. Criteria: Ambry Variant Classification Scheme 2023. Collection method: clinical testing. Allele origin: germline.
Comment: The p.L1736P variant (also known as c.5207T>C), located in coding exon 45 of the KIF1B gene, results from a T to C substitution at nucleotide position 5207. The leucine at codon 1736 is replaced by proline, an amino acid with similar properties. This amino acid position is conserved. In addition, this alteration is predicted to be tolerated by in silico analysis. Based on the available evidence, the clinical significance of this variant remains unclear.

NM_001365951.3(KIF1B):c.5345T>C (p.Leu1782Pro)

Gene: KIF1B (kinesin family member 1B; plus strand). Cytogenetic location: 1p36.22.
Variant type: single nucleotide variant.
Coding change: c.5345T>C on transcript NM_001365951.3 (MANE Select); coding-DNA position 5345, T replaced by C.
Protein change: p.Leu1782Pro; replaces leucine 1782 with proline.
Molecular consequence: missense variant.
Genome position (GRCh38, 1-based): chr1:10,375,310, T>C. VCF-style: chr1-10375310-T-C. GRCh37 (hg19) VCF-style: chr1-10435368-T-C.
Other names: c.5345T>C, p.Leu1782Pro (NM_001365952.1); c.5207T>C, p.Leu1736Pro (NM_015074.3); short protein forms L1736P, L1782P.
Identifiers: ClinVar variation 3288459 (VCV003288459.1).